The following is an entry in ClinVar:

NM_000465.4(BARD1):c.229G>C (p.Asp77His)

Gene: BARD1 (BRCA1 associated RING domain 1; minus strand). Cytogenetic location: 2q35.
Variant type: single nucleotide variant.
Coding change: c.229G>C on transcript NM_000465.4 (MANE Select); coding-DNA position 229, G replaced by C.
Protein change: p.Asp77His; replaces aspartic acid 77 with histidine.
Molecular consequence: missense variant. On other transcripts: non-coding transcript variant (1), intron variant (2).
Genome position (GRCh38, 1-based): chr2:214,792,432, C>G on the plus strand (G>C on the coding strand, the complement: BARD1 is on the minus strand). VCF-style: chr2-214792432-C-G. GRCh37 (hg19) VCF-style: chr2-215657156-C-G.
Other names: c.172G>C, p.Asp58His (NM_001282543.2); c.229G>C, p.Asp77His (NM_001282549.2); c.158+16980G>C (NM_001282548.2); c.215+4629G>C (NM_001282545.2); short protein forms D58H, D77H.
Identifiers: ClinVar variation 659870 (VCV000659870.9), dbSNP rs1574839978, ClinGen allele CA350461312.

ClinVar aggregate classification (germline): Uncertain significance (1 of 4 stars; one submission).

Conditions:
Familial cancer of breast. Also called: Hereditary breast cancer; hereditary breast carcinoma; BREAST CANCER, FAMILIAL. Identifiers: Orphanet 227535, MedGen C0346153, MONDO:0016419, OMIM 114480. Disease mechanism: loss of function.

Submission:

Labcorp Genetics (formerly Invitae), Labcorp
Classification: Uncertain significance for Familial cancer of breast. Last evaluated: 2018-10-23. Review status: criteria provided, single submitter. Criteria: Invitae Variant Classification Sherloc (09022015). Collection method: clinical testing. Allele origin: germline.
Comment: In summary, the available evidence is currently insufficient to determine the role of this variant in disease. Therefore, it has been classified as a Variant of Uncertain Significance. Algorithms developed to predict the effect of missense changes on protein structure and function are either unavailable or do not agree on the potential impact of this missense change (SIFT: "Deleterious"; PolyPhen-2: "Probably Damaging"; Align-GVGD: "Class C0"). This variant has not been reported in the literature in individuals with BARD1-related disease. This variant is not present in population databases (ExAC no frequency). This sequence change replaces aspartic acid with histidine at codon 77 of the BARD1 protein (p.Asp77His). The aspartic acid residue is highly conserved and there is a moderate physicochemical difference between aspartic acid and histidine.